The following is an entry in ClinVar:

NM_000975.5(RPL11):c.325A>G (p.Ile109Val)

Gene: RPL11 (ribosomal protein L11; plus strand). Cytogenetic location: 1p36.11.
Variant type: single nucleotide variant.
Coding change: c.325A>G on transcript NM_000975.5 (MANE Select); coding-DNA position 325, A replaced by G.
Protein change: p.Ile109Val; replaces isoleucine 109 with valine.
Molecular consequence: missense variant.
Genome position (GRCh38, 1-based): chr1:23,694,720, A>G. VCF-style: chr1-23694720-A-G. GRCh37 (hg19) VCF-style: chr1-24021210-A-G.
Other names: c.322A>G, p.Ile108Val (NM_001199802.1); short protein forms I109V, I108V.
Identifiers: ClinVar variation 1936116 (VCV001936116.6), dbSNP rs780832428, ClinGen allele CA684260.

ClinVar aggregate classification (germline): Uncertain significance. Review status: criteria provided, multiple submitters, no conflicts (2 of 4 stars). 2 submissions from 2 submitters: Uncertain significance (2). Last evaluated 2024-05-20.

Conditions:
Diamond-Blackfan anemia 7 (DBA7). Also called: RPL11-Related Diamond-Blackfan Anemia. Identifiers: Orphanet 124, MedGen C2675512, MONDO:0012938, OMIM 612562.
Diamond-Blackfan anemia. Also called: Blackfan Diamond syndrome; Aregenerative anemia chronic congenital; Red cell aplasia, pure hereditary; Congenital hypoplastic anemia; Aase syndrome. Identifiers: Orphanet 124, MedGen C1260899, MeSH D029503, MONDO:0015253, HP:0004810.

Allele frequency attached by ClinVar (database versions not stated): ExAC 0.00001; gnomAD 0.00001; gnomAD exomes 0.00001.

Submissions (2):

Fulgent Genetics
Classification: Uncertain significance for Diamond-Blackfan anemia 7. Last evaluated: 2024-05-20. Review status: criteria provided, single submitter. Criteria: ACMG Guidelines, 2015. Collection method: clinical testing. Allele origin: germline.

Labcorp Genetics (formerly Invitae), Labcorp
Classification: Uncertain significance for Diamond-Blackfan anemia. Last evaluated: 2023-12-12. Review status: criteria provided, single submitter. Criteria: Invitae Variant Classification Sherloc (09022015). Collection method: clinical testing. Allele origin: germline.
Comment: This sequence change replaces isoleucine, which is neutral and non-polar, with valine, which is neutral and non-polar, at codon 109 of the RPL11 protein (p.Ile109Val). This variant is present in population databases (rs780832428, gnomAD 0.01%). This variant has not been reported in the literature in individuals affected with RPL11-related conditions. ClinVar contains an entry for this variant (Variation ID: 1936116). An algorithm developed to predict the effect of missense changes on protein structure and function (PolyPhen-2) suggests that this variant is likely to be tolerated. In summary, the available evidence is currently insufficient to determine the role of this variant in disease. Therefore, it has been classified as a Variant of Uncertain Significance.